The following is an entry in ClinVar:

NM_000057.4(BLM):c.2117C>T (p.Ser706Phe)

Gene: BLM (BLM RecQ like helicase; plus strand). Cytogenetic location: 15q26.1.
Variant type: single nucleotide variant.
Coding change: c.2117C>T on transcript NM_000057.4 (MANE Select); coding-DNA position 2117, C replaced by T.
Protein change: p.Ser706Phe; replaces serine 706 with phenylalanine.
Molecular consequence: missense variant.
Genome position (GRCh38, 1-based): chr15:90,765,338, C>T. VCF-style: chr15-90765338-C-T. GRCh37 (hg19) VCF-style: chr15-91308568-C-T.
Other names: c.2117C>T, p.Ser706Phe (NM_001287246.2, NM_001287247.2); c.992C>T, p.Ser331Phe (NM_001287248.2); short protein forms S331F, S706F.
Identifiers: ClinVar variation 820651 (VCV000820651.15), dbSNP rs1596234178, ClinGen allele CA393844599.

ClinVar aggregate classification (germline): Uncertain significance. Review status: criteria provided, multiple submitters, no conflicts (2 of 4 stars). 2 submissions from 2 submitters: Uncertain significance (2). Last evaluated 2024-12-31.

Conditions:
Hereditary cancer-predisposing syndrome. Also called: Neoplastic Syndromes, Hereditary; Tumor predisposition; Hereditary Cancer Syndrome; Hereditary neoplastic syndrome. Identifiers: Orphanet 140162, MedGen C0027672, MeSH D009386, MONDO:0015356.
Bloom syndrome (BLM). Also called: Bloom-Torre-Machacek syndrome. Identifiers: Orphanet 125, MedGen C0005859, MONDO:0008876, OMIM 210900.

Submissions (2):

Labcorp Genetics (formerly Invitae), Labcorp
Classification: Uncertain significance for Bloom syndrome. Last evaluated: 2024-12-31. Review status: criteria provided, single submitter. Criteria: Invitae Variant Classification Sherloc (09022015). Collection method: clinical testing. Allele origin: germline.
Comment: This sequence change replaces serine, which is neutral and polar, with phenylalanine, which is neutral and non-polar, at codon 706 of the BLM protein (p.Ser706Phe). This variant is not present in population databases (gnomAD no frequency). This variant has not been reported in the literature in individuals affected with BLM-related conditions. ClinVar contains an entry for this variant (Variation ID: 820651). Invitae Evidence Modeling of protein sequence and biophysical properties (such as structural, functional, and spatial information, amino acid conservation, physicochemical variation, residue mobility, and thermodynamic stability) indicates that this missense variant is not expected to disrupt BLM protein function with a negative predictive value of 80%. In summary, the available evidence is currently insufficient to determine the role of this variant in disease. Therefore, it has been classified as a Variant of Uncertain Significance.

Ambry Genetics
Classification: Uncertain significance for Hereditary cancer-predisposing syndrome. Last evaluated: 2024-09-30. Review status: criteria provided, single submitter. Criteria: Ambry Variant Classification Scheme 2023. Collection method: clinical testing. Allele origin: germline.
Comment: The p.S706F variant (also known as c.2117C>T), located in coding exon 8 of the BLM gene, results from a C to T substitution at nucleotide position 2117. The serine at codon 706 is replaced by phenylalanine, an amino acid with highly dissimilar properties. This amino acid position is well conserved in available vertebrate species. In addition, the in silico prediction for this alteration is inconclusive. Since supporting evidence is limited at this time, the clinical significance of this alteration remains unclear.